The following is an entry in ClinVar:

ClinVar aggregate classification (germline): Uncertain significance (1 of 4 stars; one submission).

gnomAD v4.1: 6 of 1,612,472 alleles (0.00037%); highest among the groups gnomAD compares: South Asian, 0.0066%; no homozygotes.

Submission:

Labcorp Genetics (formerly Invitae), Labcorp
Classification: Uncertain significance. Last evaluated: 2022-06-29. Review status: criteria provided, single submitter. Criteria: Invitae Variant Classification Sherloc (09022015). Collection method: clinical testing. Allele origin: germline.
Comment: In summary, the available evidence is currently insufficient to determine the role of this variant in disease. Therefore, it has been classified as a Variant of Uncertain Significance. Algorithms developed to predict the effect of missense changes on protein structure and function (SIFT, PolyPhen-2, Align-GVGD) all suggest that this variant is likely to be tolerated. This variant has not been reported in the literature in individuals affected with SZT2-related conditions. This variant is present in population databases (rs200084982, gnomAD 0.01%). This sequence change replaces leucine, which is neutral and non-polar, with glutamine, which is neutral and polar, at codon 1020 of the SZT2 protein (p.Leu1020Gln).

NM_001365999.1(SZT2):c.3230T>A (p.Leu1077Gln)

Gene: SZT2 (SZT2 subunit of KICSTOR complex; plus strand). Cytogenetic location: 1p34.2.
Variant type: single nucleotide variant.
Coding change: c.3230T>A on transcript NM_001365999.1 (MANE Select); coding-DNA position 3230, T replaced by A.
Protein change: p.Leu1077Gln; replaces leucine 1077 with glutamine.
Molecular consequence: missense variant.
Genome position (GRCh38, 1-based): chr1:43,426,730, T>A. VCF-style: chr1-43426730-T-A. GRCh37 (hg19) VCF-style: chr1-43892401-T-A.
Other names: c.3059T>A, p.Leu1020Gln (NM_015284.4); short protein forms L1020Q, L1077Q.
Identifiers: ClinVar variation 1920327 (VCV001920327.3), dbSNP rs200084982, ClinGen allele CA808924.